The following is an entry in ClinVar:

NM_001243133.2(NLRP3):c.2319G>T (p.Leu773Phe)

Gene: NLRP3 (NLR family pyrin domain containing 3; plus strand). Cytogenetic location: 1q44.
Variant type: single nucleotide variant.
Coding change: c.2319G>T on transcript NM_001243133.2 (MANE Select); coding-DNA position 2319, G replaced by T.
Protein change: p.Leu773Phe; replaces leucine 773 with phenylalanine.
Molecular consequence: missense variant. On other transcripts: intron variant (2).
Genome position (GRCh38, 1-based): chr1:247,429,753, G>T. VCF-style: chr1-247429753-G-T. GRCh37 (hg19) VCF-style: chr1-247593055-G-T.
Other names: c.2319G>T, p.Leu773Phe (NM_001079821.3, NM_001127461.3); c.2325G>T, p.Leu775Phe (NM_004895.5); c.2150+4154G>T (NM_001127462.3, NM_183395.3); short protein forms L775F, L773F.
Identifiers: ClinVar variation 4778019 (VCV004778019.1).
Genomic context (GRCh38, chr1:247,429,753, plus strand): 5'-CCCAGGGATGAGAGTGTTGTGTGAAACGCTCCAGCATCCTGGCTGTAACATTCGGAGATT[G>T]TGGTGAGTCCCCGTGCATGTGATCTGTGTGAGTGCAAGTTCATATGAGAGAGAGAGAGAG-3'
Protein context (NP_001230062.1, residues 763-783): LQHPGCNIRR[Leu773Phe]WLGRCGLSHE

ClinVar aggregate classification (germline): Uncertain significance (1 of 4 stars; one submission).

Conditions:
Cryopyrin associated periodic syndrome (CAPS). Identifiers: Orphanet 208650, MedGen C2316212, MONDO:0016168.

Submission:

Labcorp Genetics (formerly Invitae), Labcorp
Classification: Uncertain significance for Cryopyrin associated periodic syndrome. Last evaluated: 2025-06-29. Review status: criteria provided, single submitter. Criteria: Invitae Variant Classification Sherloc (09022015). Collection method: clinical testing. Allele origin: germline.
Comment: This sequence change replaces leucine, which is neutral and non-polar, with phenylalanine, which is neutral and non-polar, at codon 775 of the NLRP3 protein (p.Leu775Phe). This variant is not present in population databases (gnomAD no frequency). This variant has not been reported in the literature in individuals affected with NLRP3-related conditions. An algorithm developed to predict the effect of missense changes on protein structure and function (PolyPhen-2) suggests that this variant is likely to be disruptive. In summary, the available evidence is currently insufficient to determine the role of this variant in disease. Therefore, it has been classified as a Variant of Uncertain Significance.